The following is an entry in ClinVar:

ClinVar aggregate classification (germline): Uncertain significance (1 of 4 stars; one submission).

gnomAD v4.1: 1 of 1,613,852 alleles (0.000062%); highest among the groups gnomAD compares: Non-Finnish European, 0.000085%; no homozygotes.

Submission:

GeneDx
Classification: Uncertain significance. Last evaluated: 2023-05-08. Review status: criteria provided, single submitter. Criteria: GeneDx Variant Classification Process June 2021. Collection method: clinical testing. Allele origin: germline. Affected: yes.
Comment: Not observed at significant frequency in large population cohorts (gnomAD); In silico analysis supports that this missense variant has a deleterious effect on protein structure/function; Has not been previously published as pathogenic or benign to our knowledge

NM_001286577.2(C2CD3):c.5253T>G (p.Ser1751Arg)

Gene: C2CD3 (C2 domain containing 3 centriole elongation regulator; minus strand). Cytogenetic location: 11q13.4.
Variant type: single nucleotide variant.
Coding change: c.5253T>G on transcript NM_001286577.2 (MANE Select); coding-DNA position 5253, T replaced by G.
Protein change: p.Ser1751Arg; replaces serine 1751 with arginine.
Molecular consequence: missense variant.
Genome position (GRCh38, 1-based): chr11:74,049,445, A>C on the plus strand (T>G on the coding strand, the complement: C2CD3 is on the minus strand). VCF-style: chr11-74049445-A-C. GRCh37 (hg19) VCF-style: chr11-73760490-A-C.
Other names: c.5253T>G, p.Ser1751Arg (NM_015531.6); short protein forms S1751R.
Identifiers: ClinVar variation 2663093 (VCV002663093.1), dbSNP rs2496258364, ClinGen allele CA381827650.